The following is an entry in ClinVar:

ClinVar aggregate classification (germline): Likely benign (1 of 4 stars; one submission).

Submission:

CeGaT Center for Human Genetics Tuebingen
Classification: Likely benign. Last evaluated: 2026-08-01. Review status: criteria provided, single submitter. Criteria: CeGaT Center For Human Genetics Tuebingen Variant Classification Criteria Version 2. Collection method: clinical testing. Allele origin: germline. Affected: yes. Observed: 3 variant alleles.
Comment: TECR: PM2:Supporting, BP4, BP7

NM_138501.6(TECR):c.663T>A (p.Ala221=)

Gene: TECR (trans-2,3-enoyl-CoA reductase; plus strand). Cytogenetic location: 19p13.12.
Variant type: single nucleotide variant.
Coding change: c.663T>A on transcript NM_138501.6 (MANE Select); coding-DNA position 663, T replaced by A.
Protein change: p.Ala221=; no amino-acid change (alanine 221 retained).
Molecular consequence: synonymous variant. On other transcripts: non-coding transcript variant (2).
Genome position (GRCh38, 1-based): chr19:14,565,122, T>A. VCF-style: chr19-14565122-T-A. GRCh37 (hg19) VCF-style: chr19-14675934-T-A.
Other names: c.708T>A, p.Ala236= (NM_001321170.1).
Identifiers: ClinVar variation 4821785 (VCV004821785.4).